The following is an entry in ClinVar:

ClinVar aggregate classification (germline): Uncertain significance (1 of 4 stars; one submission).

Conditions:
Brugada syndrome 8 (BRGDA8). Identifiers: Orphanet 130, MedGen C2751083, MONDO:0013148, OMIM 613123.

Submission:

Labcorp Genetics (formerly Invitae), Labcorp
Classification: Uncertain significance for Brugada syndrome 8. Last evaluated: 2020-05-12. Review status: criteria provided, single submitter. Criteria: Invitae Variant Classification Sherloc (09022015). Collection method: clinical testing. Allele origin: germline.
Comment: In summary, the available evidence is currently insufficient to determine the role of this variant in disease. Therefore, it has been classified as a Variant of Uncertain Significance. Experimental studies and prediction algorithms are not available or were not evaluated, and the functional significance of this variant is currently unknown. This variant has not been reported in the literature in individuals with HCN4-related conditions. This variant is not present in population databases (ExAC no frequency). This sequence change results in a premature translational stop signal in the HCN4 gene (p.Pro1004Argfs*14). While this is not anticipated to result in nonsense mediated decay, it is expected to disrupt the last 200 amino acids of the HCN4 protein.

NM_005477.3(HCN4):c.3011del (p.Pro1004fs)

Gene: HCN4 (hyperpolarization activated cyclic nucleotide gated potassium channel 4; minus strand). Cytogenetic location: 15q24.1.
Variant type: Deletion.
Coding change: c.3011del on transcript NM_005477.3 (MANE Select); coding-DNA position 3011, one base deleted (C; older notation c.3011delC).
Protein change: p.Pro1004fs; shifts the reading frame from proline 1004.
Molecular consequence: frameshift variant.
Genome position (GRCh38, 1-based): chr15:73,323,082, G deleted on the plus strand (C on the coding strand, the reverse complement: HCN4 is on the minus strand); the first of 2 consecutive G bases (chr15:73,323,082-73,323,083); deleting either gives the same sequence. VCF-style (leftmost placement, unchanged base first): chr15-73323081-CG-C. GRCh37 (hg19) VCF-style: chr15-73615422-CG-C.
Other names: short protein forms P1004fs.
Identifiers: ClinVar variation 1060852 (VCV001060852.7), dbSNP rs2151214199, ClinGen allele CA2499223089.